The following is an entry in ClinVar:

ClinVar aggregate classification (germline): Likely benign. Review status: criteria provided, multiple submitters, no conflicts (2 of 4 stars). 4 submissions from 4 submitters: Likely benign (3). 1 of the submissions does not count toward it. Last evaluated 2026-01-18.

Conditions:
KIAA0586-related disorder. Also called: KIAA0586- Related disorders; KIAA0586-related condition.
Joubert syndrome 23 (JBTS23). Identifiers: Orphanet 475, MedGen C4084822, MONDO:0014664, OMIM 616490.
Short-rib thoracic dysplasia 14 with polydactyly (SRTD14). Identifiers: Orphanet 397715, MedGen C4225286, MONDO:0014688, OMIM 616546.

Allele frequency attached by ClinVar (database versions not stated): gnomAD 0.00024 and 0.00030; TOPMed 0.00025; 1000 Genomes Project 30x 0.00031; ESP Exome Variant Server 0.00034; 1000 Genomes Project 0.00040; gnomAD exomes 0.00059; ExAC 0.00066.

Submissions (4):

Labcorp Genetics (formerly Invitae), Labcorp
Classification: Likely benign for Joubert syndrome 23; Short-rib thoracic dysplasia 14 with polydactyly. Last evaluated: 2026-01-18. Review status: criteria provided, single submitter. Criteria: Invitae Variant Classification Sherloc (09022015). Collection method: clinical testing. Allele origin: germline.

Blueprint Genetics
Classification: Likely benign. Last evaluated: 2024-10-21. Review status: criteria provided, single submitter. Criteria: ACMG Guidelines, 2015. Collection method: clinical testing. Allele origin: germline.

CeGaT Center for Human Genetics Tuebingen
Classification: Likely benign. Last evaluated: 2023-11-01. Review status: criteria provided, single submitter. Criteria: CeGaT Center For Human Genetics Tuebingen Variant Classification Criteria Version 2. Collection method: clinical testing. Allele origin: germline. Affected: yes. Observed: 1 variant allele.
Comment: KIAA0586: BP4

PreventionGenetics, part of Exact Sciences
Classification: Likely benign for KIAA0586-related condition. Last evaluated: 2022-12-13. Review status: no assertion criteria provided. Collection method: clinical testing. Allele origin: germline. Not counted in ClinVar's aggregate classification.
Comment: This variant is classified as likely benign based on ACMG/AMP sequence variant interpretation guidelines (Richards et al. 2015 PMID: 25741868, with internal and published modifications).

NM_001329943.3(KIAA0586):c.15G>C (p.Glu5Asp)

Gene: KIAA0586 (KIAA0586; plus strand). Cytogenetic location: 14q23.1.
Variant type: single nucleotide variant.
Coding change: c.15G>C on transcript NM_001329943.3 (MANE Select); coding-DNA position 15, G replaced by C.
Protein change: p.Glu5Asp; replaces glutamic acid 5 with aspartic acid.
Molecular consequence: missense variant. On other transcripts: 5 prime UTR variant (1), intron variant (5).
Genome position (GRCh38, 1-based): chr14:58,428,279, G>C. VCF-style: chr14-58428279-G-C. GRCh37 (hg19) VCF-style: chr14-58894997-G-C.
Other names: c.51G>C, p.Glu17Asp (NM_001244189.2); c.-31G>C (NM_001244190.2); c.15G>C, p.Glu5Asp (NM_001329944.2, NM_001329946.2, NM_001329947.2 and 1 more transcripts); c.-57+642G>C (NM_001244192.2, NM_001244191.2); c.-57+466G>C (NM_001364701.2, NM_001329945.2, NM_001364700.1); short protein forms E5D, E17D.
Identifiers: ClinVar variation 772034 (VCV000772034.35), dbSNP rs199554737, ClinGen allele CA7205246.
Genomic context (GRCh38, chr14:58,428,279, plus strand): 5'-AAGTTTTTCCGTCCTTAAGTGTGGGACTTGTTTTGTGACCAACAATATGAAAGGCTCTGA[G>C]GTCAGCTTGGAGAAGAAAAAAAAGATTAAGATGCCAGTGAAGAGACTTCGTGAGGTAGTT-3'
Protein context (NP_001316872.1, residues 1-15): MKGS[Glu5Asp]VSLEKKKKIK